The following is an entry in ClinVar:

ClinVar aggregate classification (germline): Pathogenic (1 of 4 stars; one submission).

Conditions:
Brachyolmia-amelogenesis imperfecta syndrome. Also called: Tooth agenesis, selective, 6; Dental anomalies and short stature; PLATYSPONDYLY WITH AMELOGENESIS IMPERFECTA. Identifiers: Orphanet 2899, MedGen C1832594, MONDO:0011018, OMIM 601216. Disease mechanism: loss of function.

Submission:

Labcorp Genetics (formerly Invitae), Labcorp
Classification: Pathogenic for Brachyolmia-amelogenesis imperfecta syndrome. Last evaluated: 2025-11-09. Review status: criteria provided, single submitter. Criteria: Invitae Variant Classification Sherloc (09022015). Collection method: clinical testing. Allele origin: germline.
Comment: This sequence change creates a premature translational stop signal (p.Gly860Alafs*7) in the LTBP3 gene. It is expected to result in an absent or disrupted protein product. Loss-of-function variants in LTBP3 are known to be pathogenic (PMID: 11790802, 19344874, 25669657). This variant is not present in population databases (gnomAD no frequency). This variant has not been reported in the literature in individuals affected with LTBP3-related conditions. For these reasons, this variant has been classified as Pathogenic.

Literature cited by the submitters: PubMed 11790802; PubMed 19344874; PubMed 25669657.

NM_001130144.3(LTBP3):c.2579_2582del (p.Gly860fs)

Gene: LTBP3 (latent transforming growth factor beta binding protein 3; minus strand). Cytogenetic location: 11q13.1.
Variant type: Microsatellite.
Coding change: c.2579_2582del on transcript NM_001130144.3 (MANE Select); coding-DNA positions 2579 to 2582, 4 bases deleted (GTGG; older notation c.2579_2582delGTGG).
Protein change: p.Gly860fs; shifts the reading frame from glycine 860.
Molecular consequence: frameshift variant.
Genome position (GRCh38, 1-based): chr11:65,543,119-65,543,122, CCAC deleted on the plus strand (GTGG on the coding strand, the reverse complement: LTBP3 is on the minus strand); deleting any 4 consecutive bases within chr11:65,543,119-65,543,127 gives the same sequence; the c. name uses the placement nearest the transcript's 3' end. VCF-style (leftmost placement, unchanged base first): chr11-65543118-GCCAC-G. GRCh37 (hg19) VCF-style: chr11-65310589-GCCAC-G.
Other names: c.2228_2231del, p.Gly743fs (NM_001164266.1); c.2579_2582del, p.Gly860fs (NM_021070.4); short protein forms G860fs, G743fs.
Identifiers: ClinVar variation 2790612 (VCV002790612.3), dbSNP rs1402802838, ClinGen allele CA679332524.